The following is an entry in ClinVar:

NM_001002295.2(GATA3):c.1083C>T (p.Gly361=)

Gene: GATA3 (GATA binding protein 3; plus strand). Cytogenetic location: 10p14.
Variant type: single nucleotide variant.
Coding change: c.1083C>T on transcript NM_001002295.2 (MANE Select); coding-DNA position 1083, C replaced by T.
Protein change: p.Gly361=; no amino-acid change (glycine 361 retained).
Molecular consequence: synonymous variant.
Genome position (GRCh38, 1-based): chr10:8,073,771, C>T. VCF-style: chr10-8073771-C-T. GRCh37 (hg19) VCF-style: chr10-8115734-C-T.
Other names: c.1080C>T, p.Gly360= (NM_002051.3).
Identifiers: ClinVar variation 2635669 (VCV002635669.1), dbSNP rs1025624628, ClinGen allele CA202464219.

ClinVar aggregate classification (germline): Uncertain significance (1 of 4 stars; one submission).

Conditions:
GATA3-related disorder. Also called: GATA3-related condition.

Allele frequency attached by ClinVar (database versions not stated): gnomAD exomes 0.00001; TOPMed 0.00001.
gnomAD v4.1: 10 of 1,613,754 alleles (0.00062%); highest among the groups gnomAD compares: East Asian, 0.0022%; no homozygotes.

Submission:

PreventionGenetics, part of Exact Sciences
Classification: Uncertain significance for GATA3-related condition. Last evaluated: 2023-06-29. Review status: criteria provided, single submitter. Criteria: ACMG Guidelines, 2015. Collection method: clinical testing. Allele origin: germline.
Comment: The GATA3 c.1083C>T variant is not predicted to result in an amino acid change (p.=). This variant is predicted to create a cryptic splice donor site (Alamut Visual Plus v1.6.1). To our knowledge, this variant has not been reported in the literature or in a large population database, indicating this variant is rare. At this time, the clinical significance of this variant is uncertain due to the absence of conclusive functional and genetic evidence.